The following is an entry in ClinVar:

ClinVar aggregate classification (germline): Likely benign (1 of 4 stars; one submission).

Submission:

CeGaT Center for Human Genetics Tuebingen
Classification: Likely benign. Last evaluated: 2026-06-01. Review status: criteria provided, single submitter. Criteria: CeGaT Center For Human Genetics Tuebingen Variant Classification Criteria Version 2. Collection method: clinical testing. Allele origin: germline. Affected: yes. Observed: 2 variant alleles.
Comment: FOXC1: BS1

NM_001453.3(FOXC1):c.-431G>C

Genes: FOXC1 (forkhead box C1; plus strand), LOC129995600 (ATAC-STARR-seq lymphoblastoid silent region 16824; plus strand). Cytogenetic location: 6p25.3.
Variant type: single nucleotide variant.
Coding change: c.-431G>C on transcript NM_001453.3 (MANE Select); 431 bases upstream of the start codon, G replaced by C.
Molecular consequence: 5 prime UTR variant.
Genome position (GRCh38, 1-based): chr6:1,610,015, G>C. VCF-style: chr6-1610015-G-C. GRCh37 (hg19) VCF-style: chr6-1610250-G-C.
Identifiers: ClinVar variation 4822000 (VCV004822000.4).